The following is an entry in ClinVar:

ClinVar aggregate classification (germline): Uncertain significance (1 of 4 stars; one submission).

Conditions:
Hereditary cancer-predisposing syndrome. Also called: Neoplastic Syndromes, Hereditary; Tumor predisposition; Hereditary Cancer Syndrome; Hereditary neoplastic syndrome. Identifiers: Orphanet 140162, MedGen C0027672, MeSH D009386, MONDO:0015356.

Submission:

Ambry Genetics
Classification: Uncertain significance for Hereditary cancer-predisposing syndrome. Last evaluated: 2021-09-23. Review status: criteria provided, single submitter. Criteria: Ambry Variant Classification Scheme 2023. Collection method: clinical testing. Allele origin: germline.
Comment: The p.V607G variant (also known as c.1820T>G), located in coding exon 12 of the BRIP1 gene, results from a T to G substitution at nucleotide position 1820. The valine at codon 607 is replaced by glycine, an amino acid with dissimilar properties. This amino acid position is conserved. In addition, the in silico prediction for this alteration is inconclusive. Since supporting evidence is limited at this time, the clinical significance of this alteration remains unclear.

NM_032043.3(BRIP1):c.1820T>G (p.Val607Gly)

Gene: BRIP1 (BRCA1 interacting DNA helicase 1; minus strand). Cytogenetic location: 17q23.2.
Variant type: single nucleotide variant.
Coding change: c.1820T>G on transcript NM_032043.3 (MANE Select); coding-DNA position 1820, T replaced by G.
Protein change: p.Val607Gly; replaces valine 607 with glycine.
Molecular consequence: missense variant.
Genome position (GRCh38, 1-based): chr17:61,780,376, A>C on the plus strand (T>G on the coding strand, the complement: BRIP1 is on the minus strand). VCF-style: chr17-61780376-A-C. GRCh37 (hg19) VCF-style: chr17-59857737-A-C.
Other names: short protein forms V607G.
Identifiers: ClinVar variation 1780762 (VCV001780762.2), dbSNP rs2145080833, ClinGen allele CA400480175.